The following is an entry in ClinVar:

NM_017654.4(SAMD9):c.497T>C (p.Phe166Ser)

Gene: SAMD9 (sterile alpha motif domain containing 9; minus strand). Cytogenetic location: 7q21.2.
Variant type: single nucleotide variant.
Coding change: c.497T>C on transcript NM_017654.4 (MANE Select); coding-DNA position 497, T replaced by C.
Protein change: p.Phe166Ser; replaces phenylalanine 166 with serine.
Molecular consequence: missense variant.
Genome position (GRCh38, 1-based): chr7:93,105,601, A>G on the plus strand (T>C on the coding strand, the complement: SAMD9 is on the minus strand). VCF-style: chr7-93105601-A-G. GRCh37 (hg19) VCF-style: chr7-92734914-A-G.
Other names: c.497T>C, p.Phe166Ser (NM_001193307.2); short protein forms F166S.
Identifiers: ClinVar variation 3437123 (VCV003437123.2).
Genomic context (GRCh38, chr7:93,105,601, plus strand): 5'-CCTGTTTCAGGCTGTAGACTAAAATCCAACTTGTAACGATATGGATTACTGAATTCATCA[A>G]ATGGATATGATACACATGTCAGGTCTATGGATGGTTGCCTTTCCTTTGTATAATCTATTT-3'
Protein context (NP_060124.2, residues 156-176): SIDLTCVSYP[Phe166Ser]DEFSNPYRYK

ClinVar aggregate classification (germline): Uncertain significance (1 of 4 stars; one submission).

Conditions:
Inborn genetic diseases. Identifiers: MedGen C0950123, MeSH D030342.

gnomAD v4.1: 2 of 1,614,104 alleles (0.00012%); no homozygotes.

Submission:

Ambry Genetics
Classification: Uncertain significance for Inborn genetic diseases. Last evaluated: 2026-05-04. Review status: criteria provided, single submitter. Criteria: Ambry Variant Classification Scheme 2023. Collection method: clinical testing. Allele origin: germline.
Comment: The p.F166S variant (also known as c.497T>C), located in coding exon 1 of the SAMD9 gene, results from a T to C substitution at nucleotide position 497. The phenylalanine at codon 166 is replaced by serine, an amino acid with highly dissimilar properties. This amino acid position is conserved. In addition, the in silico prediction for this alteration is inconclusive. Based on the available evidence, the clinical significance of this variant remains unclear.